The following is an entry in ClinVar:

ClinVar aggregate classification (germline): Uncertain significance (1 of 4 stars; one submission).

Conditions:
Rafiq syndrome (RAFQS). Identifiers: Orphanet 88616, MedGen C3280127, MONDO:0013624, OMIM 614202.

Allele frequency attached by ClinVar (database versions not stated): gnomAD exomes below 0.00001; TOPMed below 0.00001; ExAC 0.00001; gnomAD 0.00001; 1000 Genomes Project 30x 0.00016; 1000 Genomes Project 0.00020.
gnomAD v4.1: 3 of 1,614,068 alleles (0.00019%); highest among the groups gnomAD compares: Non-Finnish European, 0.00025%; no homozygotes.

Submission:

Baylor Genetics
Classification: Uncertain significance for Rafiq syndrome. Last evaluated: 2019-02-22. Review status: criteria provided, single submitter. Criteria: ACMG Guidelines, 2015. Collection method: clinical testing. Allele origin: unknown. Affected: yes.
Comment: This variant was determined to be of uncertain significance according to ACMG Guidelines, 2015 [PMID:25741868].

NM_016219.5(MAN1B1):c.1042G>T (p.Asp348Tyr)

Gene: MAN1B1 (mannosidase alpha class 1B member 1; plus strand). Cytogenetic location: 9q34.3.
Variant type: single nucleotide variant.
Coding change: c.1042G>T on transcript NM_016219.5 (MANE Select); coding-DNA position 1042, G replaced by T.
Protein change: p.Asp348Tyr; replaces aspartic acid 348 with tyrosine.
Molecular consequence: missense variant. On other transcripts: non-coding transcript variant (2).
Genome position (GRCh38, 1-based): chr9:137,101,130, G>T. VCF-style: chr9-137101130-G-T. GRCh37 (hg19) VCF-style: chr9-139995582-G-T.
Other names: short protein forms D348Y.
Identifiers: ClinVar variation 1030541 (VCV001030541.1), dbSNP rs184782012, ClinGen allele CA5358876.